The following is an entry in ClinVar:

ClinVar aggregate classification (germline): Pathogenic/Likely pathogenic. Review status: criteria provided, multiple submitters, no conflicts (2 of 4 stars). 25 submissions from 25 submitters: Pathogenic (9); Likely pathogenic (9). 7 of the submissions do not count toward it. Last evaluated 2026-07-01.

Conditions:
BRCA1-related cancer predisposition. Identifiers: MedGen CN377757, MONDO:0700268.
BRCA1-related disorder. Also called: BRCA1-related condition.
Hereditary cancer-predisposing syndrome. Also called: Neoplastic Syndromes, Hereditary; Tumor predisposition; Hereditary Cancer Syndrome; Hereditary neoplastic syndrome. Identifiers: Orphanet 140162, MedGen C0027672, MeSH D009386, MONDO:0015356.
Hereditary breast ovarian cancer syndrome. Also called: Hereditary breast and/or ovarian cancer syndrome; Hereditary breast and ovarian cancer syndrome; Hereditary breast and ovarian cancer; Hereditary breast and ovarian cancer syndrome (HBOC); Breast and ovarian cancer; BRCA1- and BRCA2-Associated Hereditary Breast and Ovarian Cancer. Identifiers: Orphanet 145, MedGen C0677776, MeSH D061325, MONDO:0003582. Disease mechanism: loss of function.
Breast-ovarian cancer, familial, susceptibility to, 1 (BROVCA1). Also called: OVARIAN CANCER, SUSCEPTIBILITY TO; BRCA1 Hereditary Breast and Ovarian Cancer. Identifiers: Orphanet 145, MedGen C2676676, MONDO:0011450, OMIM 604370. Disease mechanism: loss of function.
Malignant tumor of breast. Also called: Malignant breast neoplasm; Cancer breast. Identifiers: MedGen C0006142, MONDO:0007254. Disease mechanism: loss of function.

Submissions 1 to 11 of 26:

CeGaT Center for Human Genetics Tuebingen
Classification: Likely pathogenic. Last evaluated: 2026-07-01. Review status: criteria provided, single submitter. Criteria: CeGaT Center For Human Genetics Tuebingen Variant Classification Criteria Version 2. Collection method: clinical testing. Allele origin: germline. Affected: yes. Observed: 2 variant alleles.
Comment: BRCA1: PM2, PS3:Moderate, PS4:Moderate, PP3

Institute of Human Genetics, University of Leipzig Medical Center
Classification: Likely pathogenic for Breast-ovarian cancer, familial, susceptibility to, 1. Last evaluated: 2026-06-08. Review status: criteria provided, single submitter. Criteria: ACMG Guidelines, 2015. Collection method: clinical testing. Allele origin: unknown. Inheritance: Autosomal dominant inheritance. Affected: yes.
Comment: Criteria applied: PS1_MOD, PS3, PM2_SUP, PP3

Labcorp Genetics (formerly Invitae), Labcorp
Classification: Pathogenic for Hereditary breast ovarian cancer syndrome. Last evaluated: 2026-01-10. Review status: criteria provided, single submitter. Criteria: Invitae Variant Classification Sherloc (09022015). Collection method: clinical testing. Allele origin: germline.
Comment: This sequence change falls in intron 15 of the BRCA1 gene. It does not directly change the encoded amino acid sequence of the BRCA1 protein. RNA analysis indicates that this variant induces altered splicing and may result in an absent or altered protein product. This variant is not present in population databases (gnomAD no frequency). This variant has been observed in individual(s) with breast and/or ovarian cancer (PMID: 12491499, 18465347, 23239986, 23772696, 25682074, 25971625, 29446198). This variant is also known as IVS16+3G>C. ClinVar contains an entry for this variant (Variation ID: 55341). Variants that disrupt the consensus splice site are a relatively common cause of aberrant splicing (PMID: 17576681, 9536098). Studies have shown that this variant results in activation of a cryptic splice acceptor, and produces a non-functional protein and/or introduces a premature termination codon (PMID: 23239986, 31843900). For these reasons, this variant has been classified as Pathogenic.

Institute of Immunology and Genetics Kaiserslautern
Classification: Pathogenic for Breast-ovarian cancer, familial, susceptibility to, 1. Last evaluated: 2025-08-04. Review status: criteria provided, single submitter. Criteria: ACMG Guidelines, 2015. Collection method: clinical testing. Allele origin: germline. Affected: yes.
Comment: ACMG Criteria: PVS1, PS3, PS4, PM2, PP1, PP3, PP4, PP5.

Blueprint Genetics
Classification: Pathogenic for BRCA1-related disorders. Last evaluated: 2024-06-04. Review status: criteria provided, single submitter. Criteria: ACMG Guidelines, 2015. Collection method: clinical testing. Allele origin: germline. Affected: yes. Observed: 1 variant allele.

Color Diagnostics, LLC DBA Color Health
Classification: Likely pathogenic for Hereditary cancer-predisposing syndrome. Last evaluated: 2024-05-07. Review status: criteria provided, single submitter. Criteria: ACMG Guidelines, 2015. Collection method: clinical testing. Allele origin: germline.
Comment: This variant causes a G>C nucleotide substitution at the +3 position of intron 15 of the BRCA1 gene. RNA studies have observed aberrant splicing in carrier RNA that is expected to result in an absent or non-functional protein product (PMID: 23239986, 31843900). A functional study has reported that this variant impacts BRCA1 function in a haploid cell proliferation assay (PMID: 30209399). This variant has been detected in at least five individuals affected with breast, ovarian and pancreatic cancer (PMID: 12491499, 25682074, 25971625, 29360161, 35409996) and in suspected hereditary breast and ovarian cancer families (PMID: 18465347, 23772696). However, a multifactorial analysis has reported contradictory low segregation likelihood ratio for pathogenicity (LR) of 0.0001 and high tumor pathology LR of 418.5086 for this variant (PMID: 31131967). This variant has not been identified in the general population by the Genome Aggregation Database (gnomAD). Loss of BRCA1 function is a known mechanism of disease. Based on the available evidence, this variant is classified as Likely Pathogenic.

All of Us Research Program, National Institutes of Health
Classification: Pathogenic for BRCA1-related cancer predisposition. Last evaluated: 2024-04-02. Review status: criteria provided, single submitter. Criteria: ACMG Guidelines, 2015. Collection method: clinical testing. Allele origin: germline. Inheritance: Autosomal dominant inheritance. Observed: 1 variant allele, 1 heterozygote.
Comment: The variant c.4986+3G>C in the BRCA1 gene is located in intron 15 and is predicted to result in aberrant splicing and a disrupted or absent protein product (SpliceAI donor loss score 0.93). This variant (also known as IVS16+3G>C) has been observed in multiple individuals with breast cancer, triple negative breast cancer, ovarian cancer, pancreatic cancer, or suspected breast and ovarian cancer (PMID: 12491499, 18465347, 23239986, 23772696, 25682074, 25971625, 29360161, 29446198, 30322717). Experimental studies have shown that this variant results in retention of 65 intronic nucleotides and leads to the protein change p.Met1663Valfs*14 (PMID: 23239986). Functional studies have also shown this variant to result in loss of function with impact on haploid cell survival (PMID: 30209399). This variant is absent in the general population database, gnomAD. Truncating variants in BRCA1 gene are known to be pathogenic (PMID: 21989022, 17661172, 22762150). Therefore, this variant is classified as pathogenic.

This study involves interpretation of variants in research participants for the purpose of population health screening. Participant phenotype was not available at the time of variant classification. Additional details can be found in publication PMID: 35346344, PMCID: PMC8962531

Baylor Genetics
Classification: Pathogenic for Breast-ovarian cancer, familial, susceptibility to, 1. Last evaluated: 2024-03-05. Review status: criteria provided, single submitter. Criteria: ACMG Guidelines, 2015. Collection method: clinical testing. Allele origin: unknown.

Human Genome Sequencing Center Clinical Lab, Baylor College of Medicine
Classification: Pathogenic for hereditary breast and ovarian cancer syndrome. Last evaluated: 2023-11-13. Review status: criteria provided, single submitter. Criteria: ACMG Guidelines, 2015. Collection method: clinical testing. Allele origin: unknown.

Ambry Genetics
Classification: Pathogenic for Hereditary cancer-predisposing syndrome. Last evaluated: 2023-01-10. Review status: criteria provided, single submitter. Criteria: Ambry Variant Classification Scheme 2023. Collection method: clinical testing. Allele origin: germline.
Comment: The c.4986+3G>C intronic pathogenic mutation results from a G to C substitution 3 nucleotides after coding exon 14 in the BRCA1 gene. This alteration has been detected in several breast and/or ovarian cancer families as well as in a patient with triple negative breast cancer (Adem C et al. Cancer 2003 Jan; 97(1):1-11; Thomassen M et al. Acta Oncol. 2008;47(4):772-7; Singer CF et al. Clin Genet. 2014 Jan;85(1):72-5; Wong-Brown MW et al. Breast Cancer Res Treat. 2015 Feb;150(1):71-80; Rebbeck TR et al. Hum. Mutat., 2018 May;39:593-620; Dudley B et al. Cancer, 2018 04;124:1691-1700; Carter NJ et al. Gynecol Oncol, 2018 12;151:481-488). One functional study found that this nucleotide substitution is deleterious in a high throughput genome editing haploid cell survival assay (Findlay GM et al. Nature, 2018 10;562:217-222). In silico splice site analysis predicts that this alteration will weaken the native splice donor site. RT-PCR analysis of c.4986+3G>C revealed an alternate transcript with retention of 65 intronic nucleotides resulting in a premature termination codon (Ambry internal data; Wappenschmidt B et al. PLoS ONE 2012; 7(12):e50800). This variant is considered to be rare based on population cohorts in the Genome Aggregation Database (gnomAD). Of note, this alteration is also designated as IVS16+3G>C in published literature. Based on the supporting evidence, this alteration is interpreted as a disease-causing mutation.

MGZ Medical Genetics Center
Classification: Likely pathogenic for Breast-ovarian cancer, familial, susceptibility to, 1. Last evaluated: 2022-08-11. Review status: criteria provided, single submitter. Criteria: ACMG Guidelines, 2015. Collection method: clinical testing. Allele origin: germline. Affected: yes. Observed: 2 variant alleles.
Comment: ACMG criteria applied: PS3, PS4_MOD, PM2_SUP, PP3

NM_007294.4(BRCA1):c.4986+3G>C

Gene: BRCA1 (BRCA1 DNA repair associated; minus strand). Cytogenetic location: 17q21.31.
Variant type: single nucleotide variant.
Coding change: c.4986+3G>C on transcript NM_007294.4 (MANE Select); 3 bases into the intron after coding-DNA position 4986, G replaced by C.
Molecular consequence: intron variant.
Genome position (GRCh38, 1-based): chr17:43,070,925, C>G on the plus strand (G>C on the coding strand, the complement: BRCA1 is on the minus strand). VCF-style: chr17-43070925-C-G. GRCh37 (hg19) VCF-style: chr17-41222942-C-G.
Other names: IVS16+3G>C; c.1533+3G>C (NM_001408458.1, NM_001408461.1, NM_001408464.1 and 7 more transcripts); c.4095+3G>C (NM_001407967.1); c.4605+3G>C (NM_001407959.1); c.4719+3G>C (NM_001407931.1, NM_001407932.1, NM_001407928.1 and 4 more transcripts); c.4842+3G>C (NM_001407747.1, NM_001407745.1, NM_001407737.1 and 21 more transcripts); c.4602+3G>C (NM_001407962.1, NM_001407960.1); c.1173+3G>C (NM_001408512.1); and 72 more.
Identifiers: ClinVar variation 55341 (VCV000055341.73), dbSNP rs80358023, ClinGen allele CA003121.